The following is an entry in ClinVar:

ClinVar aggregate classification (germline): Uncertain significance (1 of 4 stars; one submission).

Conditions:
Inborn genetic diseases. Identifiers: MedGen C0950123, MeSH D030342.

Submission:

Ambry Genetics
Classification: Uncertain significance for Inborn genetic diseases. Last evaluated: 2021-08-09. Review status: criteria provided, single submitter. Criteria: Ambry Variant Classification Scheme 2023. Collection method: clinical testing. Allele origin: germline.
Comment: The p.K2421Q variant (also known as c.7261A>C), located in coding exon 49 of the LRRK2 gene, results from an A to C substitution at nucleotide position 7261. The lysine at codon 2421 is replaced by glutamine, an amino acid with similar properties. This amino acid position is conserved. In addition, the in silico prediction for this alteration is inconclusive. Since supporting evidence is limited at this time, the clinical significance of this alteration remains unclear.

NM_198578.4(LRRK2):c.7261A>C (p.Lys2421Gln)

Gene: LRRK2 (leucine rich repeat kinase 2; plus strand). Cytogenetic location: 12q12.
Variant type: single nucleotide variant.
Coding change: c.7261A>C on transcript NM_198578.4 (MANE Select); coding-DNA position 7261, A replaced by C.
Protein change: p.Lys2421Gln; replaces lysine 2421 with glutamine.
Molecular consequence: missense variant.
Genome position (GRCh38, 1-based): chr12:40,364,921, A>C. VCF-style: chr12-40364921-A-C. GRCh37 (hg19) VCF-style: chr12-40758723-A-C.
Other names: short protein forms K2421Q.
Identifiers: ClinVar variation 1757966 (VCV001757966.2), dbSNP rs2500037750, ClinGen allele CA384414861.